The following is an entry in ClinVar:

ClinVar aggregate classification (germline): Uncertain significance (1 of 4 stars; one submission).

Conditions:
Hereditary cancer-predisposing syndrome. Also called: Neoplastic Syndromes, Hereditary; Tumor predisposition; Hereditary Cancer Syndrome; Hereditary neoplastic syndrome. Identifiers: Orphanet 140162, MedGen C0027672, MeSH D009386, MONDO:0015356.

Submission:

Ambry Genetics
Classification: Uncertain significance for Hereditary cancer-predisposing syndrome. Last evaluated: 2026-04-12. Review status: criteria provided, single submitter. Criteria: Ambry Variant Classification Scheme 2023. Collection method: clinical testing. Allele origin: germline.
Comment: The p.S73G variant (also known as c.217A>G), located in coding exon 2 of the MITF gene, results from an A to G substitution at nucleotide position 217. The serine at codon 73 is replaced by glycine, an amino acid with similar properties. This amino acid position is conserved. In addition, the in silico prediction for this alteration is inconclusive. Based on the available evidence, the clinical significance of this variant remains unclear.

NM_001354604.2(MITF):c.538A>G (p.Ser180Gly)

Gene: MITF (melanocyte inducing transcription factor; plus strand). Cytogenetic location: 3p13.
Variant type: single nucleotide variant.
Coding change: c.538A>G on transcript NM_001354604.2 (MANE Select); coding-DNA position 538, A replaced by G.
Protein change: p.Ser180Gly; replaces serine 180 with glycine.
Molecular consequence: missense variant. On other transcripts: intron variant (1).
Genome position (GRCh38, 1-based): chr3:69,938,005, A>G. VCF-style: chr3-69938005-A-G. GRCh37 (hg19) VCF-style: chr3-69987156-A-G.
Other names: c.217A>G, p.Ser73Gly (NM_000248.4, NM_001184968.2, NM_198158.3); c.382A>G, p.Ser128Gly (NM_001184967.2, NM_001354608.2); c.535A>G, p.Ser179Gly (NM_001354605.2, NM_001354606.2, NM_006722.3); c.487A>G, p.Ser163Gly (NM_001354607.2); c.538A>G, p.Ser180Gly (NM_198159.3); c.490A>G, p.Ser164Gly (NM_198177.3); c.93+124A>G (NM_198178.3); short protein forms S128G, S163G, S164G, S179G, S180G, S73G.
Identifiers: ClinVar variation 4860059 (VCV004860059.1).